The following is an entry in ClinVar:

NM_000632.4(ITGAM):c.2761G>A (p.Val921Met)

Gene: ITGAM (integrin subunit alpha M; plus strand). Cytogenetic location: 16p11.2.
Variant type: single nucleotide variant.
Coding change: c.2761G>A on transcript NM_000632.4 (MANE Select); coding-DNA position 2761, G replaced by A.
Protein change: p.Val921Met; replaces valine 921 with methionine.
Molecular consequence: missense variant.
Genome position (GRCh38, 1-based): chr16:31,328,199, G>A. VCF-style: chr16-31328199-G-A. GRCh37 (hg19) VCF-style: chr16-31339520-G-A.
Other names: c.2764G>A, p.Val922Met (NM_001145808.2); short protein forms V921M, V922M.
Identifiers: ClinVar variation 2746276 (VCV002746276.3), dbSNP rs989993403, ClinGen allele CA280625005.

ClinVar aggregate classification (germline): Uncertain significance (1 of 4 stars; one submission).

Allele frequency attached by ClinVar (database versions not stated): gnomAD exomes below 0.00001; TOPMed 0.00001; gnomAD 0.00001.
gnomAD v4.1: 3 of 1,613,838 alleles (0.00019%); highest among the groups gnomAD compares: African/African-American, 0.0013%; no homozygotes.

Submission:

Labcorp Genetics (formerly Invitae), Labcorp
Classification: Uncertain significance. Last evaluated: 2025-10-23. Review status: criteria provided, single submitter. Criteria: Invitae Variant Classification Sherloc (09022015). Collection method: clinical testing. Allele origin: germline.
Comment: This sequence change replaces valine, which is neutral and non-polar, with methionine, which is neutral and non-polar, at codon 921 of the ITGAM protein (p.Val921Met). This variant is present in population databases (no rsID available, gnomAD 0.01%). This variant has not been reported in the literature in individuals affected with ITGAM-related conditions. ClinVar contains an entry for this variant (Variation ID: 2746276). An algorithm developed to predict the effect of missense changes on protein structure and function (PolyPhen-2) suggests that this variant is likely to be disruptive. In summary, the available evidence is currently insufficient to determine the role of this variant in disease. Therefore, it has been classified as a Variant of Uncertain Significance.